The following is an entry in ClinVar:

ClinVar aggregate classification (germline): Uncertain significance. Review status: criteria provided, multiple submitters, no conflicts (2 of 4 stars). 2 submissions from 2 submitters: Uncertain significance (2). Last evaluated 2026-01-23.

Conditions:
Inborn genetic diseases. Identifiers: MedGen C0950123, MeSH D030342.

Allele frequency attached by ClinVar (database versions not stated): gnomAD exomes below 0.00001 and 0.00002; ExAC 0.00003; TOPMed 0.00003; gnomAD 0.00005.
gnomAD v4.1: 10 of 1,611,250 alleles (0.00062%); highest among the groups gnomAD compares: African/African-American, 0.013%; no homozygotes.

Submissions (2):

Labcorp Genetics (formerly Invitae), Labcorp
Classification: Uncertain significance. Last evaluated: 2026-01-23. Review status: criteria provided, single submitter. Criteria: Invitae Variant Classification Sherloc (09022015). Collection method: clinical testing. Allele origin: germline.
Comment: This sequence change replaces leucine, which is neutral and non-polar, with phenylalanine, which is neutral and non-polar, at codon 30 of the POMP protein (p.Leu30Phe). This variant is present in population databases (rs371032321, gnomAD 0.02%). This variant has not been reported in the literature in individuals affected with POMP-related conditions. ClinVar contains an entry for this variant (Variation ID: 1509396). An algorithm developed to predict the effect of missense changes on protein structure and function (PolyPhen-2) suggests that this variant is likely to be tolerated. In summary, the available evidence is currently insufficient to determine the role of this variant in disease. Therefore, it has been classified as a Variant of Uncertain Significance.

Ambry Genetics
Classification: Uncertain significance for Inborn genetic diseases. Last evaluated: 2025-11-12. Review status: criteria provided, single submitter. Criteria: Ambry Variant Classification Scheme 2023. Collection method: clinical testing. Allele origin: germline.

NM_015932.6(POMP):c.88C>T (p.Leu30Phe)

Gene: POMP (proteasome maturation protein; plus strand). Cytogenetic location: 13q12.3.
Variant type: single nucleotide variant.
Coding change: c.88C>T on transcript NM_015932.6 (MANE Select); coding-DNA position 88, C replaced by T.
Protein change: p.Leu30Phe; replaces leucine 30 with phenylalanine.
Molecular consequence: missense variant.
Genome position (GRCh38, 1-based): chr13:28,662,494, C>T. VCF-style: chr13-28662494-C-T. GRCh37 (hg19) VCF-style: chr13-29236631-C-T.
Other names: c.88C>T (NM_015932.5); short protein forms L30F.
Identifiers: ClinVar variation 1509396 (VCV001509396.7), dbSNP rs371032321, ClinGen allele CA6931006.